The following is an entry in ClinVar:

NM_000059.4(BRCA2):c.7870T>G (p.Tyr2624Asp)

Gene: BRCA2 (BRCA2 DNA repair associated; plus strand). Cytogenetic location: 13q13.1.
Variant type: single nucleotide variant.
Coding change: c.7870T>G on transcript NM_000059.4 (MANE Select); coding-DNA position 7870, T replaced by G.
Protein change: p.Tyr2624Asp; replaces tyrosine 2624 with aspartic acid.
Molecular consequence: missense variant. On other transcripts: non-coding transcript variant (1).
Genome position (GRCh38, 1-based): chr13:32,362,587, T>G. VCF-style: chr13-32362587-T-G. GRCh37 (hg19) VCF-style: chr13-32936724-T-G.
Other names: c.7774T>G, p.Tyr2592Asp (NM_001406719.1); c.7870T>G, p.Tyr2624Asp (NM_001406720.1); c.2938T>G, p.Tyr980Asp (NM_001406721.1); c.1453T>G, p.Tyr485Asp (NM_001406722.1); short protein forms Y2592D, Y2624D, Y485D, Y980D.
Identifiers: ClinVar variation 2578326 (VCV002578326.2), dbSNP rs1161235543, ClinGen allele CA387747091.

ClinVar aggregate classification (germline): Pathogenic. Review status: criteria provided, single submitter (1 of 4 stars). 2 submissions from 2 submitters: Pathogenic (1). 1 of the submissions does not count toward it. Last evaluated 2023-09-06.

Conditions:
Breast-ovarian cancer, familial, susceptibility to, 2 (BROVCA2). Also called: BRCA2 Hereditary Breast and Ovarian Cancer. Identifiers: Orphanet 145, MedGen C2675520, MONDO:0012933, OMIM 612555. Disease mechanism: loss of function.

Submissions (2):

Clinical Genetics Laboratory, Skane University Hospital Lund
Classification: Pathogenic for Breast-ovarian cancer, familial, susceptibility to, 2. Last evaluated: 2023-09-06. Review status: criteria provided, single submitter. Criteria: ACMG Guidelines, 2015. Collection method: clinical testing. Allele origin: germline. Inheritance: Autosomal dominant inheritance. Affected: yes.
Comment: This missense variant replaces tyrosine with aspartic acid at codon 2624 of the BRCA2 protein. The variant is located within the DNA-binding domain of BRCA2 and is predicted damaging by bioinformatic algorithms (BayesDel No-AF = 0.41). The variant is reported by one calibrated study to affect protein function similar to pathogenic control variants (PMID:29884841). This variant is not present in population databases (absent in gnomAD v2.1 and v3.1, coverage over the region >25x in both datasets), and is not previously reported in clinical databases (ClinVar, HGMD Pro). Internal data from our laboratory demonstrates segregation of the variant with breast and ovarian cancer in two Swedish families (combined Bayes Score LR = 26.6:1). BRCA2 c.7870T>G, p.(Tyr2624Asp) is classified as pathogenic (class 5) according to the ClinGen ENIGMA BRCA1 and BRCA2 Expert Panel Specifications to the ACMG/AMP Variant Interpretation Guidelines for BRCA2 Version 1.0.0 using the criteria PS3_strong, PM2_supporting, PP1_strong and PP3_supporting.

BRCAlab, Lund University
Classification: Pathogenic for Breast-ovarian cancer, familial, susceptibility to, 2. Last evaluated: 2024-01-17. Review status: no assertion criteria provided. Collection method: clinical testing. Allele origin: germline. Affected: yes. Not counted in ClinVar's aggregate classification.